The following is an entry in ClinVar:

ClinVar aggregate classification (germline): Uncertain significance (1 of 4 stars; one submission).

Conditions:
GREB1L-related disorder. Also called: GREB1L-related condition.

Allele frequency attached by ClinVar (database versions not stated): TOPMed below 0.00001.

Submission:

PreventionGenetics, part of Exact Sciences
Classification: Uncertain significance for GREB1L-related condition. Last evaluated: 2023-06-23. Review status: criteria provided, single submitter. Criteria: ACMG Guidelines, 2015. Collection method: clinical testing. Allele origin: germline.
Comment: The GREB1L c.974C>T variant is predicted to result in the amino acid substitution p.Pro325Leu. To our knowledge, this variant has not been reported in the literature or in a large population database, indicating this variant is rare. At this time, the clinical significance of this variant is uncertain due to the absence of conclusive functional and genetic evidence.

NM_001142966.3(GREB1L):c.974C>T (p.Pro325Leu)

Genes: GREB1L (GREB1 like retinoic acid receptor coactivator; plus strand), GREB1L-AS1 (GREB1L antisense RNA 1; minus strand). Cytogenetic location: 18q11.1.
Variant type: single nucleotide variant.
Coding change: c.974C>T on transcript NM_001142966.3 (MANE Select); coding-DNA position 974, C replaced by T.
Protein change: p.Pro325Leu; replaces proline 325 with leucine.
Molecular consequence: missense variant.
Genome position (GRCh38, 1-based): chr18:21,440,293, C>T. VCF-style: chr18-21440293-C-T. GRCh37 (hg19) VCF-style: chr18-19020254-C-T.
Other names: c.1103C>T, p.Pro368Leu (NM_001410867.1); c.974C>T, p.Pro325Leu (NM_001410868.1); short protein forms P325L, P368L.
Identifiers: ClinVar variation 2630028 (VCV002630028.1), dbSNP rs2033826794, ClinGen allele CA401798951.
Genomic context (GRCh38, chr18:21,440,293, plus strand): 5'-ACTATCTCTTTTTTTTGTTTTTTTGTTTGTCTTCAGCTACCATGTTCATTTCTGGGCCAC[C>T]AAAGAAACGACACCGGGGATGGTATCCTGGGTCACCTCTCCCCCAACCTGGCTTAGTTGT-3'
Protein context (NP_001136438.1, residues 315-335): DQATMFISGP[Pro325Leu]KKRHRGWYPG